The following is an entry in ClinVar:

NM_004855.5(PIGB):c.663C>G (p.Tyr221Ter)

Gene: PIGB (phosphatidylinositol glycan anchor biosynthesis class B; plus strand). Cytogenetic location: 15q21.3.
Variant type: single nucleotide variant.
Coding change: c.663C>G on transcript NM_004855.5 (MANE Select); coding-DNA position 663, C replaced by G.
Protein change: p.Tyr221Ter; replaces tyrosine 221 with a stop codon.
Molecular consequence: nonsense.
Genome position (GRCh38, 1-based): chr15:55,333,876, C>G. VCF-style: chr15-55333876-C-G. GRCh37 (hg19) VCF-style: chr15-55626074-C-G.
Other names: short protein forms Y221*.
Identifiers: ClinVar variation 2715941 (VCV002715941.3), dbSNP rs1447687114, ClinGen allele CA392542331.
Genomic context (GRCh38, chr15:55,333,876, plus strand): 5'-TAACTTCAAGTTAATTTCCCACTTGTCTTATCACACATTTTCCTCTTATAGTGTCAAATA[C>G]TCATCCCTGGTGGCACTTGCCTTCATAATTCGTCCCACAGCTGTCATTCTGTGGACACCT-3'

ClinVar aggregate classification (germline): Pathogenic (1 of 4 stars; one submission).

Allele frequency attached by ClinVar (database versions not stated): gnomAD 0.00003; TOPMed 0.00006.
gnomAD v4.1: 7 of 1,599,262 alleles (0.00044%); highest among the groups gnomAD compares: Admixed American, 0.012%; no homozygotes.

Submission:

Labcorp Genetics (formerly Invitae), Labcorp
Classification: Pathogenic. Last evaluated: 2025-05-30. Review status: criteria provided, single submitter. Criteria: Invitae Variant Classification Sherloc (09022015). Collection method: clinical testing. Allele origin: germline.
Comment: This sequence change creates a premature translational stop signal (p.Tyr221*) in the PIGB gene. It is expected to result in an absent or disrupted protein product. Loss-of-function variants in PIGB are known to be pathogenic (PMID: 31256876, 34400385). This variant is present in population databases (no rsID available, gnomAD 0.007%). This variant has not been reported in the literature in individuals affected with PIGB-related conditions. ClinVar contains an entry for this variant (Variation ID: 2715941). For these reasons, this variant has been classified as Pathogenic.

Literature cited by the submitters: PubMed 31256876; PubMed 34400385.